The following is an entry in ClinVar:

NM_007294.4(BRCA1):c.4911A>T (p.Pro1637=)

Gene: BRCA1 (BRCA1 DNA repair associated; minus strand). Cytogenetic location: 17q21.31.
Variant type: single nucleotide variant.
Coding change: c.4911A>T on transcript NM_007294.4 (MANE Select); coding-DNA position 4911, A replaced by T.
Protein change: p.Pro1637=; no amino-acid change (proline 1637 retained).
Molecular consequence: synonymous variant. On other transcripts: intron variant (1).
Genome position (GRCh38, 1-based): chr17:43,071,003, T>A on the plus strand (A>T on the coding strand, the complement: BRCA1 is on the minus strand). VCF-style: chr17-43071003-T-A. GRCh37 (hg19) VCF-style: chr17-41223020-T-A.
Other names: c.4698A>T, p.Pro1566= (NM_001407571.1, NM_001407894.1, NM_001407895.1 and 12 more transcripts); c.4977A>T, p.Pro1659= (NM_001407581.1, NM_001407582.1); c.4974A>T, p.Pro1658= (NM_001407583.1, NM_001407585.1, NM_001407587.1 and 1 more transcripts); c.4971A>T, p.Pro1657= (NM_001407590.1, NM_001407591.1); c.4911A>T, p.Pro1637= (NM_001407593.1, NM_001407594.1, NM_001407596.1 and 8 more transcripts); c.4908A>T, p.Pro1636= (NM_001407610.1, NM_001407611.1, NM_001407612.1 and 17 more transcripts); c.4905A>T, p.Pro1635= (NM_001407627.1, NM_001407628.1, NM_001407629.1 and 14 more transcripts); c.4902A>T, p.Pro1634= (NM_001407644.1, NM_001407645.1); and 71 more.
Identifiers: ClinVar variation 868397 (VCV000868397.3), dbSNP rs2052381048, ClinGen allele CA500231677.

Conditions:
Breast-ovarian cancer, familial, susceptibility to, 1 (BROVCA1). Also called: BRCA1 Hereditary Breast and Ovarian Cancer; OVARIAN CANCER, SUSCEPTIBILITY TO. Identifiers: Orphanet 145, MedGen C2676676, MONDO:0011450, OMIM 604370. Disease mechanism: loss of function.

Submission:

Brotman Baty Institute, University of Washington
No classification provided (evidence only). Condition: Breast-ovarian cancer, familial 1. Review status: no classification provided. Collection method: in vitro. Allele origin: not applicable. Functional consequence: functionally_normal.
ClinVar note: "not provided" was previously submitted as the classification for the variant. However, the classification appeared to be based only on an observation of functional data so it was converted to no classification on 2025-07-30.